The following is an entry in ClinVar:

NM_017654.4(SAMD9):c.3971G>A (p.Ser1324Asn)

Gene: SAMD9 (sterile alpha motif domain containing 9; minus strand). Cytogenetic location: 7q21.2.
Variant type: single nucleotide variant.
Coding change: c.3971G>A on transcript NM_017654.4 (MANE Select); coding-DNA position 3971, G replaced by A.
Protein change: p.Ser1324Asn; replaces serine 1324 with asparagine.
Molecular consequence: missense variant.
Genome position (GRCh38, 1-based): chr7:93,102,127, C>T on the plus strand (G>A on the coding strand, the complement: SAMD9 is on the minus strand). VCF-style: chr7-93102127-C-T. GRCh37 (hg19) VCF-style: chr7-92731440-C-T.
Other names: c.3971G>A, p.Ser1324Asn (NM_001193307.2); c.3971G>A (NM_017654.3); short protein forms S1324N.
Identifiers: ClinVar variation 1969770 (VCV001969770.6), dbSNP rs776046152, ClinGen allele CA4342612.

ClinVar aggregate classification (germline): Uncertain significance. Review status: criteria provided, multiple submitters, no conflicts (2 of 4 stars). 2 submissions from 2 submitters: Uncertain significance (2). Last evaluated 2025-10-07.

Conditions:
Inborn genetic diseases. Identifiers: MedGen C0950123, MeSH D030342.

Allele frequency attached by ClinVar (database versions not stated): gnomAD 0.00001; gnomAD exomes 0.00001; TOPMed 0.00001; ExAC 0.00002.
gnomAD v4.1: 13 of 1,613,274 alleles (0.00081%); highest among the groups gnomAD compares: Non-Finnish European, 0.00059%; no homozygotes.

Submissions (2):

Ambry Genetics
Classification: Uncertain significance for Inborn genetic diseases. Last evaluated: 2025-10-07. Review status: criteria provided, single submitter. Criteria: Ambry Variant Classification Scheme 2023. Collection method: clinical testing. Allele origin: germline.

Labcorp Genetics (formerly Invitae), Labcorp
Classification: Uncertain significance. Last evaluated: 2022-09-20. Review status: criteria provided, single submitter. Criteria: Invitae Variant Classification Sherloc (09022015). Collection method: clinical testing. Allele origin: germline.
Comment: This sequence change replaces serine, which is neutral and polar, with asparagine, which is neutral and polar, at codon 1324 of the SAMD9 protein (p.Ser1324Asn). In summary, the available evidence is currently insufficient to determine the role of this variant in disease. Therefore, it has been classified as a Variant of Uncertain Significance. Advanced modeling of protein sequence and biophysical properties (such as structural, functional, and spatial information, amino acid conservation, physicochemical variation, residue mobility, and thermodynamic stability) performed at Invitae indicates that this missense variant is not expected to disrupt SAMD9 protein function. This variant has not been reported in the literature in individuals affected with SAMD9-related conditions. This variant is present in population databases (rs776046152, gnomAD 0.009%).